The following is an entry in ClinVar:

ClinVar aggregate classification (germline): Uncertain significance (1 of 4 stars; one submission).

Submission:

Ambry Genetics
Classification: Uncertain significance. Last evaluated: 2024-02-17. Review status: criteria provided, single submitter. Criteria: Ambry Variant Classification Scheme 2023. Collection method: clinical testing. Allele origin: germline.
Comment: The p.E2370A variant (also known as c.7109A>C), located in coding exon 25 of the POLQ gene, results from an A to C substitution at nucleotide position 7109. The glutamic acid at codon 2370 is replaced by alanine, an amino acid with dissimilar properties. This amino acid position is conserved. In addition, the in silico prediction for this alteration is inconclusive. Based on the available evidence, the clinical significance of this alteration remains unclear.

NM_199420.4(POLQ):c.7109A>C (p.Glu2370Ala)

Gene: POLQ (DNA polymerase theta; minus strand). Cytogenetic location: 3q13.33.
Variant type: single nucleotide variant.
Coding change: c.7109A>C on transcript NM_199420.4 (MANE Select); coding-DNA position 7109, A replaced by C.
Protein change: p.Glu2370Ala; replaces glutamic acid 2370 with alanine.
Molecular consequence: missense variant.
Genome position (GRCh38, 1-based): chr3:121,460,093, T>G on the plus strand (A>C on the coding strand, the complement: POLQ is on the minus strand). VCF-style: chr3-121460093-T-G. GRCh37 (hg19) VCF-style: chr3-121178940-T-G.
Other names: short protein forms E2370A.
Identifiers: ClinVar variation 3230136 (VCV003230136.1), dbSNP rs775415107, ClinGen allele CA354106854.